The following is an entry in ClinVar:

NM_052947.4(ALPK2):c.5516C>T (p.Ser1839Phe)

Gene: ALPK2 (alpha kinase 2; minus strand). Cytogenetic location: 18q21.31.
Variant type: single nucleotide variant.
Coding change: c.5516C>T on transcript NM_052947.4 (MANE Select); coding-DNA position 5516, C replaced by T.
Protein change: p.Ser1839Phe; replaces serine 1839 with phenylalanine.
Molecular consequence: missense variant.
Genome position (GRCh38, 1-based): chr18:58,524,048, G>A on the plus strand (C>T on the coding strand, the complement: ALPK2 is on the minus strand). VCF-style: chr18-58524048-G-A. GRCh37 (hg19) VCF-style: chr18-56191280-G-A.
Other names: short protein forms S1839F.
Identifiers: ClinVar variation 1748054 (VCV001748054.2), dbSNP rs2518866951, ClinGen allele CA402551842.
Genomic context (GRCh38, chr18:58,524,048, plus strand): 5'-CAGCAGTAATAGAGTCCCTGGTCCTTCGGACTGGCTTGCACGATGGCAAAGGAAACAGTG[G>A]AGTTGTCCCCTGCACTGCAATGAGGAATATTCACATTGACACACTTCATCATTCTACAGT-3'
Protein context (NP_443179.3, residues 1829-1849): AQVQRSAGDN[Ser1839Phe]TVSFAIVQAS

ClinVar aggregate classification (germline): Uncertain significance (1 of 4 stars; one submission).

Submission:

Ambry Genetics
Classification: Uncertain significance. Last evaluated: 2022-03-03. Review status: criteria provided, single submitter. Criteria: Ambry Variant Classification Scheme 2023. Collection method: clinical testing. Allele origin: germline.
Comment: The p.S1839F variant (also known as c.5516C>T), located in coding exon 6 of the ALPK2 gene, results from a C to T substitution at nucleotide position 5516. The serine at codon 1839 is replaced by phenylalanine, an amino acid with highly dissimilar properties. This amino acid position is conserved. In addition, the in silico prediction for this alteration is inconclusive. Since supporting evidence is limited at this time, the clinical significance of this alteration remains unclear.